The following is an entry in ClinVar:

ClinVar aggregate classification (germline): Uncertain significance (1 of 4 stars; one submission).

gnomAD v4.1: 6 of 1,605,304 alleles (0.00037%); highest among the groups gnomAD compares: Middle Eastern, 0.033%; no homozygotes.

Submission:

Ambry Genetics
Classification: Uncertain significance. Last evaluated: 2026-04-06. Review status: criteria provided, single submitter. Criteria: Ambry Variant Classification Scheme 2023. Collection method: clinical testing. Allele origin: germline.
Comment: The c.590C>T (p.S197L) alteration is located in exon 6 (coding exon 5) of the FCGR3B gene. This alteration results from a C to T substitution at nucleotide position 590, causing the serine (S) at amino acid position 197 to be replaced by a leucine (L). Based on data from gnomAD, the T allele has an overall frequency of 0.001% (2/248992) total alleles studied. The highest observed frequency was 0.017% (1/6052) of Other alleles. Based on insufficient or conflicting evidence, the clinical significance of this alteration remains unclear.

NM_001244753.2(FCGR3B):c.590C>T (p.Ser197Leu)

Gene: FCGR3B (Fc gamma receptor IIIb; minus strand). Cytogenetic location: 1q23.3.
Variant type: single nucleotide variant.
Coding change: c.590C>T on transcript NM_001244753.2 (MANE Select); coding-DNA position 590, C replaced by T.
Protein change: p.Ser197Leu; replaces serine 197 with leucine.
Molecular consequence: missense variant.
Genome position (GRCh38, 1-based): chr1:161,624,627, G>A on the plus strand (C>T on the coding strand, the complement: FCGR3B is on the minus strand). VCF-style: chr1-161624627-G-A. GRCh37 (hg19) VCF-style: chr1-161594417-G-A.
Other names: c.539C>T, p.Ser180Leu (NM_001271036.2); c.281C>T, p.Ser94Leu (NM_001271037.2); c.590C>T, p.Ser197Leu (NM_000570.5); c.587C>T, p.Ser196Leu (NM_001271035.2); short protein forms S180L, S196L, S197L, S94L.
Identifiers: ClinVar variation 4871295 (VCV004871295.1).